The following is an entry in ClinVar:

ClinVar aggregate classification (germline): Uncertain significance. Review status: criteria provided, multiple submitters, no conflicts (2 of 4 stars). 2 submissions from 2 submitters: Uncertain significance (2). Last evaluated 2025-06-18.

Conditions:
Inborn genetic diseases. Identifiers: MedGen C0950123, MeSH D030342.

gnomAD v4.1: 32 of 1,613,862 alleles (0.002%); highest among the groups gnomAD compares: African/African-American, 0.004%; no homozygotes.

Submissions (2):

Ambry Genetics
Classification: Uncertain significance for Inborn genetic diseases. Last evaluated: 2025-06-18. Review status: criteria provided, single submitter. Criteria: Ambry Variant Classification Scheme 2023. Collection method: clinical testing. Allele origin: germline.

GeneDx
Classification: Uncertain significance. Last evaluated: 2025-05-12. Review status: criteria provided, single submitter. Criteria: GeneDx Variant Classification Process June 2021. Collection method: clinical testing. Allele origin: germline. Affected: yes.
Comment: In silico analysis supports that this missense variant has a deleterious effect on protein structure/function; Has not been previously published as pathogenic or benign to our knowledge

NM_002340.6(LSS):c.1040G>A (p.Arg347His)

Gene: LSS (lanosterol synthase; minus strand). Cytogenetic location: 21q22.3.
Variant type: single nucleotide variant.
Coding change: c.1040G>A on transcript NM_002340.6 (MANE Select); coding-DNA position 1040, G replaced by A.
Protein change: p.Arg347His; replaces arginine 347 with histidine.
Molecular consequence: missense variant.
Genome position (GRCh38, 1-based): chr21:46,213,807, C>T on the plus strand (G>A on the coding strand, the complement: LSS is on the minus strand). VCF-style: chr21-46213807-C-T. GRCh37 (hg19) VCF-style: chr21-47633721-C-T.
Other names: c.1040G>A, p.Arg347His (NM_001001438.3); c.1007G>A, p.Arg336His (NM_001145436.2); c.800G>A, p.Arg267His (NM_001145437.2); c.800G>A (NM_001145437.1); short protein forms R267H, R347H, R336H.
Identifiers: ClinVar variation 4101181 (VCV004101181.2).